The following is an entry in ClinVar:

NM_000064.4(C3):c.1682G>A (p.Gly561Asp)

Gene: C3 (complement C3; minus strand). Cytogenetic location: 19p13.3.
Variant type: single nucleotide variant.
Coding change: c.1682G>A on transcript NM_000064.4 (MANE Select); coding-DNA position 1682, G replaced by A.
Protein change: p.Gly561Asp; replaces glycine 561 with aspartic acid.
Molecular consequence: missense variant.
Genome position (GRCh38, 1-based): chr19:6,710,643, C>T on the plus strand (G>A on the coding strand, the complement: C3 is on the minus strand). VCF-style: chr19-6710643-C-T. GRCh37 (hg19) VCF-style: chr19-6710654-C-T.
Other names: short protein forms G561D.
Identifiers: ClinVar variation 4280294 (VCV004280294.1).
Genomic context (GRCh38, chr19:6,710,643, plus strand): 5'-AGAGAGAGAGGAGTAGGGAGAGGGAGAGGGGGCGAGCGAGCCCAGGGCACACTTACCGAG[C>T]CCACGCAGGAGTCCTTGACGTCCACCCACACGGAGTCGGCCACCACCTCCCTCTGGCCGC-3'
Protein context (NP_000055.2, residues 551-571): VWVDVKDSCV[Gly561Asp]SLVVKSGQSE

ClinVar aggregate classification (germline): Uncertain significance (1 of 4 stars; one submission).

Conditions:
Complement component 3 deficiency. Identifiers: Orphanet 280133, MedGen C3151071, MONDO:0013417, OMIM 613779.

Submission:

Genomenon, Inc
Classification: Uncertain significance for Complement component 3 deficiency. Last evaluated: 2025-09-30. Review status: criteria provided, single submitter. Criteria: Genomenon Sequence Variant Interpretation Standards. Collection method: curation. Allele origin: germline. Affected: yes.
Comment: C3 p.Gly561Asp (c.1682G>A) is a missense variant that changes the amino acid at residue 561 from Glycine to Aspartic acid. This variant has been observed in at least one proband affected with C3 deficiency (PMID:29113906). Functional studies have been reported; however, the significance of the findings remain unclear (PMID:29113906). It is absent or not present at a significant frequency in gnomAD. In conclusion, we classify C3 p.Gly561Asp (c.1682G>A) as a variant of unknown significance.

Literature cited by the submitters: PubMed 29113906.